The following is an entry in ClinVar:

ClinVar aggregate classification (germline): Uncertain significance. Review status: criteria provided, multiple submitters, no conflicts (2 of 4 stars). 4 submissions from 4 submitters: Uncertain significance (4). Last evaluated 2025-12-21.

Conditions:
Myofibrillar myopathy 3 (MFM3). Also called: Muscular dystrophy, proximal, type 1A; Autosomal dominant spheroid body myopathy. Identifiers: Orphanet 266, Orphanet 268129, MedGen C3714934, MONDO:0012215, OMIM 609200.

Allele frequency attached by ClinVar (database versions not stated): gnomAD exomes 0.00003; TOPMed 0.00003; gnomAD 0.00004; ExAC 0.00005.
gnomAD v4.1: 42 of 1,607,544 alleles (0.0026%); highest among the groups gnomAD compares: Non-Finnish European, 0.0035%; no homozygotes.

Submissions (4):

Labcorp Genetics (formerly Invitae), Labcorp
Classification: Uncertain significance for Myofibrillar myopathy 3. Last evaluated: 2025-12-21. Review status: criteria provided, single submitter. Criteria: Invitae Variant Classification Sherloc (09022015). Collection method: clinical testing. Allele origin: germline.
Comment: This sequence change replaces serine, which is neutral and polar, with leucine, which is neutral and non-polar, at codon 210 of the MYOT protein (p.Ser210Leu). This variant is present in population databases (rs756669574, gnomAD 0.007%). This variant has not been reported in the literature in individuals affected with MYOT-related conditions. ClinVar contains an entry for this variant (Variation ID: 598376). Invitae Evidence Modeling of protein sequence and biophysical properties (such as structural, functional, and spatial information, amino acid conservation, physicochemical variation, residue mobility, and thermodynamic stability) indicates that this missense variant is not expected to disrupt MYOT protein function with a negative predictive value of 80%. In summary, the available evidence is currently insufficient to determine the role of this variant in disease. Therefore, it has been classified as a Variant of Uncertain Significance.

Revvity Omics, Revvity
Classification: Uncertain significance for Myofibrillar myopathy 3. Last evaluated: 2023-08-15. Review status: criteria provided, single submitter. Criteria: ACMG Guidelines, 2015. Collection method: clinical testing. Allele origin: germline.

Eurofins Ntd Llc (ga)
Classification: Uncertain significance. Last evaluated: 2018-08-16. Review status: criteria provided, single submitter. Criteria: EGL ClinVar v180209 classification definitions. Collection method: clinical testing. Allele origin: germline. Observed: 1 variant allele, 1 heterozygote.

Illumina Laboratory Services, Illumina
Classification: Uncertain significance for Myofibrillar myopathy 3. Last evaluated: 2018-01-13. Review status: criteria provided, single submitter. Criteria: ICSL Variant Classification Criteria 13 December 2019. Collection method: clinical testing. Allele origin: germline.

NM_006790.3(MYOT):c.629C>T (p.Ser210Leu)

Genes: PKD2L2-DT (PKD2L2 divergent transcript; minus strand), MYOT (myotilin; plus strand). Cytogenetic location: 5q31.2.
Variant type: single nucleotide variant.
Coding change: c.629C>T on transcript NM_006790.3 (MANE Select); coding-DNA position 629, C replaced by T.
Protein change: p.Ser210Leu; replaces serine 210 with leucine.
Molecular consequence: missense variant.
Genome position (GRCh38, 1-based): chr5:137,877,617, C>T. VCF-style: chr5-137877617-C-T. GRCh37 (hg19) VCF-style: chr5-137213306-C-T.
Other names: c.77C>T, p.Ser26Leu (NM_001135940.2); c.284C>T, p.Ser95Leu (NM_001300911.2); short protein forms S210L, S95L, S26L.
Identifiers: ClinVar variation 598376 (VCV000598376.21), dbSNP rs756669574, ClinGen allele CA3422968.
Genomic context (GRCh38, chr5:137,877,617, plus strand): 5'-TAGGACCACAGAATGCAGCTGCTGTGTTTCAAGCTCAGGATGACAGTGGTGCACAAGACT[C>T]GCAGGTAAGTTAAAATGCTCTAAGTGGAGTATTTTTATTCTGTGCGATTTTTAAATGTCT-3'
Protein context (NP_006781.1, residues 200-220): QAQDDSGAQD[Ser210Leu]QQHNSEHARL